The following is an entry in ClinVar:

ClinVar aggregate classification (germline): Pathogenic/Likely pathogenic. Review status: criteria provided, multiple submitters, no conflicts (2 of 4 stars). 10 submissions from 10 submitters: Pathogenic (6); Likely pathogenic (3). 1 of the submissions does not count toward it. Last evaluated 2024-11-26.

Conditions:
DYRK1A-related intellectual disability syndrome (MRD7). Also called: DYRK1A Syndrome; Intellectual developmental disorder, autosomal dominant 7. Identifiers: Orphanet 464306, MedGen C5568143, MONDO:0013578, OMIM 614104.
DYRK1A-related disorder.
Intellectual disability. Also called: Intellectual functioning disability; Intellectual developmental disorder; intellectual disabilities. Identifiers: MedGen C3714756, MeSH D008607, MONDO:0001071, HP:0001249.

Submissions (10):

Blueprint Genetics
Classification: Pathogenic for DYRK1A-related disorders. Last evaluated: 2024-11-26. Review status: criteria provided, single submitter. Criteria: ACMG Guidelines, 2015. Collection method: clinical testing. Allele origin: de novo. Affected: yes. Observed: 1 variant allele.

Institute of Human Genetics, University of Leipzig Medical Center
Classification: Pathogenic for DYRK1A-related intellectual disability syndrome. Last evaluated: 2024-10-14. Review status: criteria provided, single submitter. Criteria: ACMG Guidelines, 2015. Collection method: clinical testing. Allele origin: de novo. Inheritance: Autosomal dominant inheritance. Affected: yes.
Comment: Criteria applied: PS2_VSTR,PS4,PM2,PP3

Labcorp Genetics (formerly Invitae), Labcorp
Classification: Pathogenic for DYRK1A-related intellectual disability syndrome. Last evaluated: 2024-07-01. Review status: criteria provided, single submitter. Criteria: Invitae Variant Classification Sherloc (09022015). Collection method: clinical testing. Allele origin: germline.
Comment: This sequence change falls in intron 5 of the DYRK1A gene. It does not directly change the encoded amino acid sequence of the DYRK1A protein. It affects a nucleotide within the consensus splice site. This variant is not present in population databases (gnomAD no frequency). This variant has been observed in individual(s) with DYRK1A-related disease (PMID: 25707398; Invitae). In at least one individual the variant was observed to be de novo. ClinVar contains an entry for this variant (Variation ID: 487250). Variants that disrupt the consensus splice site are a relatively common cause of aberrant splicing (PMID: 17576681, 9536098). Algorithms developed to predict the effect of sequence changes on RNA splicing suggest that this variant may disrupt the consensus splice site. For these reasons, this variant has been classified as Pathogenic.

Center for Personalized Medicine, Children's Hospital Los Angeles
Classification: Likely pathogenic. Last evaluated: 2022-12-21. Review status: criteria provided, single submitter. Criteria: ACMG Guidelines, 2015. Collection method: clinical testing. Allele origin: de novo. Affected: yes.

GeneDx
Classification: Pathogenic. Last evaluated: 2022-10-31. Review status: criteria provided, single submitter. Criteria: GeneDx Variant Classification Process June 2021. Collection method: clinical testing. Allele origin: germline. Affected: yes.
Comment: Not observed at significant frequency in large population cohorts (gnomAD); In silico analysis supports a deleterious effect on splicing; This variant is associated with the following publications: (PMID: 25707398, 28135719, 32371413, 28252636, 31526516, 33562844, 34345024)

Victorian Clinical Genetics Services, Murdoch Childrens Research Institute
Classification: Pathogenic for DYRK1A-related intellectual disability syndrome. Last evaluated: 2021-05-06. Review status: criteria provided, single submitter. Criteria: ACMG Guidelines, 2015. Collection method: clinical testing. Allele origin: germline. Inheritance: Autosomal dominant inheritance. Affected: yes.
Comment: Based on the classification scheme VCGS_Germline_v1.3.4, this variant is classified as Pathogenic. Following criteria are met: 0102 - Loss of function is a known mechanism of disease in this gene and is associated with DYRK1A-related intellectual disability syndrome, MONDO: 0013578. (I) 0107 - This gene is associated with autosomal dominant disease. (I) 0212 - Non-canonical splice site variant without proven consequence on splicing (no functional evidence available). (SP) 0251 - This variant is heterozygous. (I) 0301 - Variant is absent from gnomAD (both v2 and v3). (SP) 0508 - In silico predictions for abnormal splicing are conflicting. (I) 0801 - This variant has strong previous evidence of pathogenicity in unrelated individuals. This variant has been reported as pathogenic multiple times in the ClinVar database, and twice in the literature as de novo in individuals with intellectual disability and other features (PMID: 25707398, 32371413). (SP) 1007 - No published functional evidence has been identified for this variant. (SP) Legend: (SP) - Supporting pathogenic, (I) - Information, (SB) - Supporting benign

Institute of Medical Genetics and Applied Genomics, University Hospital Tübingen
Classification: Pathogenic. Last evaluated: 2020-10-23. Review status: criteria provided, single submitter. Criteria: ACMG Guidelines, 2015. Collection method: clinical testing. Allele origin: germline. Inheritance: Autosomal dominant inheritance. Affected: yes.

Diagnostic Laboratory, Strasbourg University Hospital
Classification: Likely pathogenic for Intellectual disability. Last evaluated: 2020-09-10. Review status: criteria provided, single submitter. Criteria: ACMG Guidelines, 2015. Collection method: clinical testing. Allele origin: de novo. Affected: yes. Observed: 1 heterozygote.

Institute for Genomic Medicine (IGM) Clinical Laboratory, Nationwide Children's Hospital
Classification: Likely pathogenic for DYRK1A-related intellectual disability syndrome. Last evaluated: 2019-01-18. Review status: criteria provided, single submitter. Criteria: ACMG Guidelines, 2015. Collection method: clinical testing. Allele origin: germline. Affected: yes.
Comment: [ACMG/AMP: PS2, PM2, PP5] This alteration is de novo in origin as it was not detected in the submitted parental specimens (identity confirmed) [PS2], is absent from or rarely observed in large-scale population databases [PM2], was reported as a pathogenic/likely pathogenic alteration by a reputable source (ClinVar or other correspondence from a clinical testing laboratory) [PP5].

Service de Génétique Moléculaire, Hôpital Robert Debré
Classification: Likely pathogenic for DYRK1A-related intellectual disability syndrome. Review status: no assertion criteria provided. Collection method: clinical testing. Allele origin: unknown. Affected: yes. Not counted in ClinVar's aggregate classification.

Literature cited by the submitters: PubMed 25707398 (cited by Labcorp Genetics (formerly Invitae), Labcorp and Victorian Clinical Genetics Services, Murdoch Childrens Research Institute); PubMed 17576681 (cited by Labcorp Genetics (formerly Invitae), Labcorp); PubMed 9536098 (cited by Labcorp Genetics (formerly Invitae), Labcorp); PubMed 32371413 (cited by Victorian Clinical Genetics Services, Murdoch Childrens Research Institute).

NM_001347721.2(DYRK1A):c.638-9_638-5del

Gene: DYRK1A (dual specificity tyrosine phosphorylation regulated kinase 1A; plus strand). Cytogenetic location: 21q22.13.
Variant type: Deletion.
Coding change: c.638-9_638-5del on transcript NM_001347721.2 (MANE Select); 9 bases into the intron before coding-DNA position 638 through 5 bases into the intron before coding-DNA position 638, 5 bases deleted (CTCTT; older notation c.638-9_638-5delCTCTT).
Molecular consequence: intron variant.
Genome position (GRCh38, 1-based): chr21:37,490,166-37,490,170, CTCTT deleted; deleting any 5 consecutive bases within chr21:37,490,164-37,490,170 gives the same sequence; the c. name uses the placement nearest the transcript's 3' end. VCF-style (leftmost placement, unchanged base first): chr21-37490163-TTTCTC-T. GRCh37 (hg19) VCF-style: chr21-38862465-TTTCTC-T.
Other names: c.665-9_665-5del (NM_001396.5, NM_101395.2, NM_130438.2); c.638-9_638-5del (NM_001347722.2, NM_130436.2); c.665-9_665-5delCTCTT (NM_101395.2, NM_001396.3); c.638-9_638-5delCTCTT (NM_001347721.1, NM_130436.2); c.551-9_551-5del (NM_001347723.2).
Identifiers: ClinVar variation 487250 (VCV000487250.23), dbSNP rs1555984064, ClinGen allele CA658658888.